The following is an entry in ClinVar:

NM_001159699.2(FHL1):c.489C>T (p.Asp163=)

Gene: FHL1 (four and a half LIM domains 1; plus strand). Cytogenetic location: Xq26.3.
Variant type: single nucleotide variant.
Coding change: c.489C>T on transcript NM_001159699.2 (MANE Select); coding-DNA position 489, C replaced by T.
Protein change: p.Asp163=; no amino-acid change (aspartic acid 163 retained).
Molecular consequence: synonymous variant. On other transcripts: non-coding transcript variant (1).
Genome position (GRCh38, 1-based): chrX:136,207,901, C>T. VCF-style: chrX-136207901-C-T. GRCh37 (hg19) VCF-style: chrX-135290060-C-T.
Other names: p.Asp147=; c.441C>T, p.Asp147= (NM_001159700.2, NM_001159702.3, NM_001159703.2 and 9 more transcripts); c.528C>T, p.Asp176= (NM_001159701.2); c.489C>T, p.Asp163= (NM_001330659.2).
Identifiers: ClinVar variation 239009 (VCV000239009.31), dbSNP rs149670651, ClinGen allele CA10525015.
Genomic context (GRCh38, chrX:136,207,901, plus strand): 5'-CACCTGTAGTAACTGCAAGCAAGTCATCGGGACTGGAAGCTTCTTCCCTAAAGGGGAGGA[C>T]TTCTACTGCGTGACTTGCCATGAGACCAAGTTTGCCAAGCATTGCGTGAAGTGCAACAAG-3'
Protein context (NP_001153171.1, residues 153-173): GTGSFFPKGE[Asp163=]FYCVTCHETK

ClinVar aggregate classification (germline): Benign/Likely benign. Review status: criteria provided, multiple submitters, no conflicts (2 of 4 stars). 15 submissions from 15 submitters: Benign (6); Likely benign (5). 4 of the submissions do not count toward it. Last evaluated 2026-02-02.

Conditions:
Cardiovascular phenotype. Identifiers: MedGen CN230736.
X-linked myopathy with postural muscle atrophy. Also called: FHL1-Related Emery-Dreifuss Muscular Dystrophy, X-Linked. Identifiers: Orphanet 178461, MedGen C2678055, MONDO:0010401, OMIM 300696.

Allele frequency attached by ClinVar (database versions not stated): 1000 Genomes Project 30x 0.00021; 1000 Genomes Project 0.00026; TOPMed 0.00131; gnomAD 0.00158 and 0.00162; ExAC 0.00161; ESP Exome Variant Server 0.00161; gnomAD exomes 0.00165.
gnomAD v4.1: 3,112 of 1,211,068 alleles (0.26%); highest among the groups gnomAD compares: Non-Finnish European, 0.31%; 8 homozygotes.

Submissions (15):

Labcorp Genetics (formerly Invitae), Labcorp
Classification: Benign for X-linked myopathy with postural muscle atrophy. Last evaluated: 2026-02-02. Review status: criteria provided, single submitter. Criteria: Invitae Variant Classification Sherloc (09022015). Collection method: clinical testing. Allele origin: germline.

Women's Health and Genetics/Laboratory Corporation of America, LabCorp
Classification: Benign. Last evaluated: 2025-05-18. Review status: criteria provided, single submitter. Criteria: LabCorp Variant Classification Summary - May 2015. Collection method: clinical testing. Allele origin: germline.

Molecular Diagnostic Laboratory for Inherited Cardiovascular Disease, Montreal Heart Institute
Classification: Benign. Last evaluated: 2025-04-09. Review status: criteria provided, single submitter. Criteria: ACMG Guidelines, 2015. Collection method: clinical testing. Allele origin: germline. Affected: no.

ARUP Laboratories, Molecular Genetics and Genomics, ARUP Laboratories
Classification: Likely benign. Last evaluated: 2025-03-28. Review status: criteria provided, single submitter. Criteria: ARUP Molecular Germline Variant Investigation Process 2024. Collection method: clinical testing. Allele origin: germline.

Mayo Clinic Laboratories, Mayo Clinic
Classification: Benign. Last evaluated: 2025-02-14. Review status: criteria provided, single submitter. Criteria: ACMG Guidelines, 2015. Collection method: clinical testing. Allele origin: germline. Observed: 6 variant alleles.
Comment: BS1, BS2, BP4, BP7

Blueprint Genetics
Classification: Likely benign. Last evaluated: 2024-11-26. Review status: criteria provided, single submitter. Criteria: ACMG Guidelines, 2015. Collection method: clinical testing. Allele origin: germline.

GeneDx
Classification: Likely benign. Last evaluated: 2021-05-20. Review status: criteria provided, single submitter. Criteria: GeneDx Variant Classification Process June 2021. Collection method: clinical testing. Allele origin: germline. Affected: yes.
Comment: This variant is associated with the following publications: (PMID: 22523091, 19377476)

Athena Diagnostics
Classification: Benign. Last evaluated: 2020-04-21. Review status: criteria provided, single submitter. Criteria: Athena Diagnostics Criteria. Collection method: clinical testing. Allele origin: unknown.

Ambry Genetics
Classification: Likely benign for Cardiovascular phenotype. Last evaluated: 2019-03-18. Review status: criteria provided, single submitter. Criteria: Ambry Variant Classification Scheme 2023. Collection method: clinical testing. Allele origin: germline.

Eurofins Ntd Llc (ga)
Classification: Benign. Last evaluated: 2015-11-06. Review status: criteria provided, single submitter. Criteria: EGL Classification Definitions 2015. Collection method: clinical testing. Allele origin: germline. Observed: 1 variant allele, 1 heterozygote.

PreventionGenetics, part of Exact Sciences
Classification: Likely benign. Review status: criteria provided, single submitter. Criteria: ACMG Guidelines, 2015. Collection method: clinical testing. Allele origin: germline.

Clinical Genetics, Academic Medical Center
Classification: Benign. Review status: no assertion criteria provided. Collection method: clinical testing. Allele origin: germline. Affected: yes. Study: VKGL Data-share Consensus. Not counted in ClinVar's aggregate classification.

Diagnostic Laboratory, Department of Genetics, University Medical Center Groningen
Classification: Likely benign. Review status: no assertion criteria provided. Collection method: clinical testing. Allele origin: germline. Affected: yes. Study: VKGL Data-share Consensus. Not counted in ClinVar's aggregate classification.

Genome Diagnostics Laboratory, University Medical Center Utrecht
Classification: Benign. Review status: no assertion criteria provided. Collection method: clinical testing. Allele origin: germline. Affected: yes. Study: VKGL Data-share Consensus. Not counted in ClinVar's aggregate classification.

Joint Genome Diagnostic Labs from Nijmegen and Maastricht, Radboudumc and MUMC+
Classification: Benign. Review status: no assertion criteria provided. Collection method: clinical testing. Allele origin: germline. Affected: yes. Study: VKGL Data-share Consensus. Not counted in ClinVar's aggregate classification.

Literature cited by the submitters: PubMed 22523091 (cited by Mayo Clinic Laboratories, Mayo Clinic and Athena Diagnostics); PubMed 29926425 (cited by Athena Diagnostics).